The following is an entry in ClinVar:

NM_000179.3(MSH6):c.3699_3702dup (p.Leu1235fs)

Gene: MSH6 (mutS homolog 6; plus strand). Cytogenetic location: 2p16.3.
Variant type: Duplication.
Coding change: c.3699_3702dup on transcript NM_000179.3 (MANE Select); coding-DNA positions 3699 to 3702, 4 bases duplicated (AGAA; older notation c.3699_3702dupAGAA).
Protein change: p.Leu1235fs; shifts the reading frame from leucine 1235.
Molecular consequence: frameshift variant.
Genome position (GRCh38, 1-based): chr2:47,806,256-47,806,259, AGAA duplicated; duplicating any 4 consecutive bases within chr2:47,806,254-47,806,259 gives the same sequence; the c. name uses the placement nearest the transcript's 3' end. VCF-style (leftmost placement, unchanged base first): chr2-47806253-T-TAAAG. GRCh37 (hg19) VCF-style: chr2-48033392-T-TAAAG.
Other names: c.3699_3702dupAGAA (NM_000179.2); c.3309_3312dup, p.Leu1105fs (NM_001281492.2); c.2793_2796dup, p.Leu933fs (NM_001281493.2, NM_001281494.2); short protein forms L1235fs, L933fs, L1105fs.
Identifiers: ClinVar variation 218069 (VCV000218069.39), dbSNP rs193922343, ClinGen allele CA279773.

ClinVar aggregate classification (germline): Pathogenic/Likely pathogenic. Review status: criteria provided, multiple submitters, no conflicts (2 of 4 stars). 8 submissions from 8 submitters: Pathogenic (5); Likely pathogenic (1). 2 of the submissions do not count toward it. Last evaluated 2025-02-12.

Conditions:
Gastric cancer. Also called: Stomach cancer; Malignant tumor of stomach. Identifiers: MedGen C0024623, MeSH D013274, MONDO:0001056, OMIM 613659, HP:0012126.
Mismatch repair cancer syndrome 3. Identifiers: MedGen C5436807, MONDO:0030841, OMIM 619097.
Hereditary nonpolyposis colorectal neoplasms. Identifiers: MedGen C0009405, MeSH D003123.
Lynch syndrome. Identifiers: Orphanet 144, MedGen C4552100, MONDO:0005835. Disease mechanism: loss of function.
Hereditary cancer-predisposing syndrome. Also called: Tumor predisposition; Hereditary Cancer Syndrome; Hereditary neoplastic syndrome; Neoplastic Syndromes, Hereditary. Identifiers: Orphanet 140162, MedGen C0027672, MeSH D009386, MONDO:0015356.
Lynch syndrome 5 (LYNCH5). Also called: Colorectal cancer, hereditary nonpolyposis, type 5; Hereditary non-polyposis colorectal cancer, type 5. Identifiers: Orphanet 144, MedGen C1833477, MONDO:0013710, OMIM 614350. Disease mechanism: loss of function.

Submissions (8):

Labcorp Genetics (formerly Invitae), Labcorp
Classification: Pathogenic for Hereditary nonpolyposis colorectal neoplasms. Last evaluated: 2025-02-12. Review status: criteria provided, single submitter. Criteria: Invitae Variant Classification Sherloc (09022015). Collection method: clinical testing. Allele origin: germline.
Comment: This sequence change creates a premature translational stop signal (p.Leu1235Argfs*4) in the MSH6 gene. It is expected to result in an absent or disrupted protein product. Loss-of-function variants in MSH6 are known to be pathogenic (PMID: 18269114, 24362816). This variant is not present in population databases (gnomAD no frequency). This premature translational stop signal has been observed in individual(s) with colorectal cancer (PMID: 24689082). ClinVar contains an entry for this variant (Variation ID: 218069). For these reasons, this variant has been classified as Pathogenic.

GeneDx
Classification: Pathogenic. Last evaluated: 2024-03-28. Review status: criteria provided, single submitter. Criteria: GeneDx Variant Classification Process June 2021. Collection method: clinical testing. Allele origin: germline. Affected: yes.
Comment: Frameshift variant predicted to result in protein truncation or nonsense mediated decay in a gene for which loss of function is a known mechanism of disease; Not observed at significant frequency in large population cohorts (gnomAD); Truncating variants in this gene are considered pathogenic by a well-established clinical consortium and/or database; Has not been previously published as pathogenic or benign to our knowledge; This variant is associated with the following publications: (PMID: 24689082)

Ambry Genetics
Classification: Pathogenic for Hereditary cancer-predisposing syndrome. Last evaluated: 2023-09-14. Review status: criteria provided, single submitter. Criteria: Ambry Variant Classification Scheme 2023. Collection method: clinical testing. Allele origin: germline.
Comment: The c.3699_3702dupAGAA pathogenic mutation, located in coding exon 8 of the MSH6 gene, results from a duplication of AGAA at nucleotide position 3699, causing a translational frameshift with a predicted alternate stop codon (p.L1235Rfs*4). This alteration is expected to result in loss of function by premature protein truncation or nonsense-mediated mRNA decay. As such, this alteration is interpreted as a disease-causing mutation.

Myriad Genetics, Inc.
Classification: Pathogenic for Lynch syndrome 5. Last evaluated: 2023-08-25. Review status: criteria provided, single submitter. Criteria: Myriad Autosomal Dominant, Autosomal Recessive and X-Linked Classification Criteria (2023). Collection method: clinical testing. Allele origin: unknown.
Comment: This variant is considered pathogenic. This variant creates a frameshift predicted to result in premature protein truncation.

Department of Pathology and Laboratory Medicine, Sinai Health System
Classification: Pathogenic for Mismatch repair cancer syndrome 3. Last evaluated: 2020-11-18. Review status: criteria provided, single submitter. Criteria: ACMG Guidelines, 2015. Collection method: clinical testing. Allele origin: germline. Affected: yes.

Women's Health and Genetics/Laboratory Corporation of America, LabCorp
Classification: Likely pathogenic for Lynch syndrome. Last evaluated: 2018-08-29. Review status: criteria provided, single submitter. Criteria: LabCorp Variant Classification Summary - May 2015. Collection method: clinical testing. Allele origin: germline.
Comment: Variant summary: MSH6 c.3699_3702dupAGAA (p.Leu1235ArgfsX4) results in a premature termination codon, predicted to cause a truncation of the encoded protein or absence of the protein due to nonsense mediated decay, which are commonly known mechanisms for disease. Another variant, affecting the same nucleotide positions, and leading to a similar protein level change, c.3699_3702delAGAA (p.Lys1233fsX6) and several other truncations downstream of this position have been classified as pathogenic by our laboratory (e.g. c.3799_3800delAT (p.Met1267fsX7), c.3840_3846delGGAGACT (p.Glu1281fsX44), c.3939_3940dupTC (p.Gln1314fsX14)). The variant was absent in 246004 control chromosomes (gnomAD). The variant, c.3699_3702dupAGAA, has been reported in the literature in an individual affected with colorectal cancer (Hansen 2014). To our knowledge, no experimental evidence demonstrating an impact on protein function has been reported. One clinical diagnostic laboratory has submitted clinical-significance assessments for this variant to ClinVar after 2014 without evidence for independent evaluation, and classified the variant as pathogenic. Based on the evidence outlined above, the variant was classified as likely pathogenic.

Laboratory for Genotyping Development, RIKEN
Classification: Pathogenic for Gastric cancer. Last evaluated: 2021-07-01. Review status: no assertion criteria provided. Collection method: research. Allele origin: germline. Not counted in ClinVar's aggregate classification.

Mayo Clinic Laboratories, Mayo Clinic
Classification: Likely pathogenic. Review status: no assertion criteria provided. Collection method: research. Allele origin: unknown. Observed: 1 variant allele. Not counted in ClinVar's aggregate classification.

Literature cited by the submitters: PubMed 18269114 (cited by Labcorp Genetics (formerly Invitae), Labcorp); PubMed 24362816 (cited by Labcorp Genetics (formerly Invitae), Labcorp); PubMed 24689082 (cited by 3 submitters); PubMed 36988593 (cited by Laboratory for Genotyping Development, RIKEN).